The following is an entry in ClinVar:

ClinVar aggregate classification (germline): Likely pathogenic (1 of 4 stars; one submission).

Conditions:
Dilated cardiomyopathy 1G (CMD1G). Identifiers: Orphanet 154, MedGen C1858763, MONDO:0011400, OMIM 604145.
Autosomal recessive limb-girdle muscular dystrophy type 2J (LGMDR10). Also called: Limb-girdle muscular dystrophy, type 2J; MUSCULAR DYSTROPHY, LIMB-GIRDLE, AUTOSOMAL RECESSIVE 10. Identifiers: Orphanet 140922, MedGen C1837342, MONDO:0012127, OMIM 608807.

gnomAD v4.1: 2 of 1,613,948 alleles (0.00012%); highest among the groups gnomAD compares: Admixed American, 0.0033%; no homozygotes.

Submission:

Labcorp Genetics (formerly Invitae), Labcorp
Classification: Likely pathogenic for Dilated cardiomyopathy 1G; Autosomal recessive limb-girdle muscular dystrophy type 2J. Last evaluated: 2024-07-16. Review status: criteria provided, single submitter. Criteria: Invitae Variant Classification Sherloc (09022015). Collection method: clinical testing. Allele origin: germline.
Comment: This sequence change creates a premature translational stop signal (p.Arg10051*) in the TTN gene. While this is not anticipated to result in nonsense mediated decay, it is expected to create a truncated TTN protein. This variant is present in population databases (no rsID available, gnomAD 0.003%). This variant has not been reported in the literature in individuals affected with TTN-related conditions. Algorithms developed to predict the effect of sequence changes on RNA splicing suggest that this variant may disrupt the consensus splice site. This variant is located in the I band of TTN (PMID: 25589632). Truncating variants in this region have been reported in individuals affected with autosomal recessive centronuclear myopathy (PMID: 23975875, Invitae internal data). Truncating variants in this region have also been identified in individuals affected with autosomal dominant dilated cardiomyopathy and/or cardio-related conditions (PMID: 27869827, 32964742, Invitae internal data). In summary, the currently available evidence indicates that the variant is pathogenic, but additional data are needed to prove that conclusively. Therefore, this variant has been classified as Likely Pathogenic.

Literature cited by the submitters: PubMed 25589632; PubMed 23975875; PubMed 27869827; PubMed 32964742.

NM_001267550.2(TTN):c.30151C>T (p.Arg10051Ter)

Gene: TTN (titin; minus strand). Cytogenetic location: 2q31.2.
Variant type: single nucleotide variant.
Coding change: c.30151C>T on transcript NM_001267550.2 (MANE Select); coding-DNA position 30151, C replaced by T.
Protein change: p.Arg10051Ter; replaces arginine 10051 with a stop codon.
Molecular consequence: nonsense. On other transcripts: intron variant (3).
Genome position (GRCh38, 1-based): chr2:178,704,219, G>A on the plus strand (C>T on the coding strand, the complement: TTN is on the minus strand). VCF-style: chr2-178704219-G-A. GRCh37 (hg19) VCF-style: chr2-179568946-G-A.
Other names: c.29200C>T, p.Arg9734Ter (NM_001256850.1); c.26419C>T, p.Arg8807Ter (NM_133378.4); c.13282+33863C>T (NM_003319.4); c.13858+33863C>T (NM_133437.4); c.13657+33863C>T (NM_133432.3); short protein forms R10051*, R8807*, R9734*.
Identifiers: ClinVar variation 3749185 (VCV003749185.2).